The following is an entry in ClinVar:

ClinVar aggregate classification (germline): Pathogenic (1 of 4 stars; one submission).

Conditions:
Fanconi anemia complementation group A (FANCA). Also called: Fanconi anemia, group A; FANCA-Related Fanconi Anemia. Identifiers: Orphanet 84, MedGen C3469521, MONDO:0009215, OMIM 227650.

Submission:

Myriad Genetics, Inc.
Classification: Pathogenic for Fanconi anemia complementation group A. Last evaluated: 2023-09-02. Review status: criteria provided, single submitter. Criteria: Myriad Autosomal Dominant, Autosomal Recessive and X-Linked Classification Criteria (2023). Collection method: clinical testing. Allele origin: unknown.
Comment: NM_000135.2(FANCA):c.720_721ins7(M241Efs*22) is expected to be pathogenic in the context of Fanconi anemia complementation group A. This variant is predicted to lead to an abnormal or absent protein product due to the creation of a premature termination codon in FANCA, a gene where loss-of-function variants are known to be pathogenic. Please note: this variant was assessed in the context of healthy population screening.

NM_000135.4(FANCA):c.720_721insGAGACAG (p.Met241fs)

Gene: FANCA (FA complementation group A; minus strand). Cytogenetic location: 16q24.3.
Variant type: Insertion.
Coding change: c.720_721insGAGACAG on transcript NM_000135.4 (MANE Select); coding-DNA positions 720 to 721, GAGACAG inserted.
Protein change: p.Met241fs; shifts the reading frame from methionine 241.
Molecular consequence: frameshift variant.
Genome position: GRCh38 VCF-style: chr16-89803330-T-TCTGTCTC. GRCh37 (hg19) VCF-style: chr16-89869738-T-TCTGTCTC.
Other names: c.720_721insGAGACAG, p.Met241fs (NM_001018112.3, NM_001286167.3); c.624_625insGAGACAG, p.Met209fs (NM_001351830.2); short protein forms M209fs, M241fs.
Identifiers: ClinVar variation 5011511 (VCV005011511.1).